The following is an entry in ClinVar:

ClinVar aggregate classification (germline): Uncertain significance (1 of 4 stars; one submission).

Conditions:
Hereditary cancer-predisposing syndrome. Also called: Neoplastic Syndromes, Hereditary; Tumor predisposition; Hereditary Cancer Syndrome; Hereditary neoplastic syndrome. Identifiers: Orphanet 140162, MedGen C0027672, MeSH D009386, MONDO:0015356.

Submission:

Ambry Genetics
Classification: Uncertain significance for Hereditary cancer-predisposing syndrome. Last evaluated: 2021-12-25. Review status: criteria provided, single submitter. Criteria: Ambry Variant Classification Scheme 2023. Collection method: clinical testing. Allele origin: germline.
Comment: The p.G1002S variant (also known as c.3004G>A), located in coding exon 19 of the ATM gene, results from a G to A substitution at nucleotide position 3004. The glycine at codon 1002 is replaced by serine, an amino acid with similar properties. This amino acid position is conserved. In addition, this alteration is predicted to be tolerated by in silico analysis. Since supporting evidence is limited at this time, the clinical significance of this alteration remains unclear.

NM_000051.4(ATM):c.3004G>A (p.Gly1002Ser)

Gene: ATM (ATM serine/threonine kinase; plus strand). Cytogenetic location: 11q22.3.
Variant type: single nucleotide variant.
Coding change: c.3004G>A on transcript NM_000051.4 (MANE Select); coding-DNA position 3004, G replaced by A.
Protein change: p.Gly1002Ser; replaces glycine 1002 with serine.
Molecular consequence: missense variant.
Genome position (GRCh38, 1-based): chr11:108,271,333, G>A. VCF-style: chr11-108271333-G-A. GRCh37 (hg19) VCF-style: chr11-108142060-G-A.
Other names: c.3004G>A, p.Gly1002Ser (NM_001351834.2); short protein forms G1002S.
Identifiers: ClinVar variation 1798730 (VCV001798730.2), dbSNP rs1565425547, ClinGen allele CA382547407.
Genomic context (GRCh38, chr11:108,271,333, plus strand): 5'-CGTGACCAAGATGTTTGTAAAACTATTTTAAACCATGTCCTTCATGTAGTGAAAAACCTA[G>A]GTCAAAGCAATATGGACTCTGAGAACACAAGGGATGCTCAAGGACAGTTTCTTACAGTAA-3'
Protein context (NP_000042.3, residues 992-1012): NHVLHVVKNL[Gly1002Ser]QSNMDSENTR